The following is an entry in ClinVar:

NM_002941.4(ROBO1):c.2882+7A>C

Gene: ROBO1 (roundabout guidance receptor 1; minus strand). Cytogenetic location: 3p12.3.
Variant type: single nucleotide variant.
Coding change: c.2882+7A>C on transcript NM_002941.4 (MANE Select); 7 bases into the intron after coding-DNA position 2882, A replaced by C.
Molecular consequence: intron variant.
Genome position (GRCh38, 1-based): chr3:78,646,141, T>G on the plus strand (A>C on the coding strand, the complement: ROBO1 is on the minus strand). VCF-style: chr3-78646141-T-G. GRCh37 (hg19) VCF-style: chr3-78695291-T-G.
Other names: c.2747+7A>C (NM_001145845.2, NM_133631.4).
Identifiers: ClinVar variation 769609 (VCV000769609.14), dbSNP rs372283898, ClinGen allele CA2498525.

ClinVar aggregate classification (germline): Likely benign. Review status: criteria provided, multiple submitters, no conflicts (2 of 4 stars). 3 submissions from 3 submitters: Likely benign (3). Last evaluated 2025-12-28.

Allele frequency attached by ClinVar (database versions not stated): ESP Exome Variant Server 0.00008; gnomAD 0.00014 and 0.00017; ExAC 0.00021; TOPMed 0.00022; gnomAD exomes 0.00023 and 0.00024; 1000 Genomes Project 30x 0.00031; 1000 Genomes Project 0.00040.
gnomAD v4.1: 371 of 1,605,344 alleles (0.023%); highest among the groups gnomAD compares: Middle Eastern, 0.88%; 2 homozygotes.

Submissions (3):

Labcorp Genetics (formerly Invitae), Labcorp
Classification: Likely benign. Last evaluated: 2025-12-28. Review status: criteria provided, single submitter. Criteria: Invitae Variant Classification Sherloc (09022015). Collection method: clinical testing. Allele origin: germline.

CeGaT Center for Human Genetics Tuebingen
Classification: Likely benign. Last evaluated: 2025-11-01. Review status: criteria provided, single submitter. Criteria: CeGaT Center For Human Genetics Tuebingen Variant Classification Criteria Version 2. Collection method: clinical testing. Allele origin: germline. Affected: yes. Observed: 1 variant allele.
Comment: ROBO1: BP4

Breakthrough Genomics
Classification: Likely benign. Review status: criteria provided, single submitter. Criteria: ACMG Guidelines, 2015. Collection method: not provided. Allele origin: germline. Inheritance: Unknown mechanism. Affected: yes.